The following is an entry in ClinVar:

NM_000532.5(PCCB):c.461C>T (p.Pro154Leu)

Gene: PCCB (propionyl-CoA carboxylase subunit beta; plus strand). Cytogenetic location: 3q22.3.
Variant type: single nucleotide variant.
Coding change: c.461C>T on transcript NM_000532.5 (MANE Select); coding-DNA position 461, C replaced by T.
Protein change: p.Pro154Leu; replaces proline 154 with leucine.
Molecular consequence: missense variant.
Genome position (GRCh38, 1-based): chr3:136,261,983, C>T. VCF-style: chr3-136261983-C-T. GRCh37 (hg19) VCF-style: chr3-135980825-C-T.
Other names: c.521C>T, p.Pro174Leu (NM_001178014.2); short protein forms P174L, P154L.
Identifiers: ClinVar variation 2758826 (VCV002758826.3), dbSNP rs2529763737, ClinGen allele CA354739596.

ClinVar aggregate classification (germline): Pathogenic (1 of 4 stars; one submission).

Conditions:
Propionic acidemia (PROP). Also called: GLYCINEMIA, KETOTIC; HYPERGLYCINEMIA WITH KETOACIDOSIS AND LEUKOPENIA; KETOTIC HYPERGLYCINEMIA. Identifiers: Orphanet 35, MedGen C0268579, MONDO:0011628, OMIM 606054, HP:0003571.

gnomAD v4.1: 1 of 1,561,204 alleles (0.000064%); no homozygotes.

Submission:

Labcorp Genetics (formerly Invitae), Labcorp
Classification: Pathogenic for Propionic acidemia. Last evaluated: 2023-11-10. Review status: criteria provided, single submitter. Criteria: Invitae Variant Classification Sherloc (09022015). Collection method: clinical testing. Allele origin: germline.
Comment: This sequence change replaces proline, which is neutral and non-polar, with leucine, which is neutral and non-polar, at codon 154 of the PCCB protein (p.Pro154Leu). This variant is not present in population databases (gnomAD no frequency). This missense change has been observed in individual(s) with propionic acidemia (Invitae). Advanced modeling of protein sequence and biophysical properties (such as structural, functional, and spatial information, amino acid conservation, physicochemical variation, residue mobility, and thermodynamic stability) performed at Invitae indicates that this missense variant is expected to disrupt PCCB protein function with a positive predictive value of 95%. For these reasons, this variant has been classified as Pathogenic.